The following is an entry in ClinVar:

ClinVar aggregate classification (germline): Benign (0 of 4 stars; one submission).

Conditions:
BPIFA3-related disorder. Also called: BPIFA3-related condition.

Allele frequency attached by ClinVar (database versions not stated): ExAC 0.00142; 1000 Genomes Project 30x 0.00375; 1000 Genomes Project 0.00379; ESP Exome Variant Server 0.00538.
gnomAD v4.1: 1,446 of 1,614,072 alleles (0.09%); highest among the groups gnomAD compares: African/African-American, 1.6%; 11 homozygotes.

Submission:

PreventionGenetics, part of Exact Sciences
Classification: Benign for BPIFA3-related condition. Last evaluated: 2021-12-28. Review status: no assertion criteria provided. Collection method: clinical testing. Allele origin: germline.
Comment: This variant is classified as benign based on ACMG/AMP sequence variant interpretation guidelines (Richards et al. 2015 PMID: 25741868, with internal and published modifications).

NM_178466.5(BPIFA3):c.495C>A (p.Cys165Ter)

Gene: BPIFA3 (BPI fold containing family A member 3; plus strand). Cytogenetic location: 20q11.21.
Variant type: single nucleotide variant.
Coding change: c.495C>A on transcript NM_178466.5 (MANE Select); coding-DNA position 495, C replaced by A.
Protein change: p.Cys165Ter; replaces cysteine 165 with a stop codon.
Molecular consequence: nonsense.
Genome position (GRCh38, 1-based): chr20:33,225,206, C>A. VCF-style: chr20-33225206-C-A. GRCh37 (hg19) VCF-style: chr20-31813012-C-A.
Other names: c.495C>A, p.Cys165Ter (NM_001014978.1); c.387C>A, p.Cys129Ter (NM_001042439.2); short protein forms C129*, C165*.
Identifiers: ClinVar variation 3040241 (VCV003040241.2), dbSNP rs116819024, ClinGen allele CA9815294.
Genomic context (GRCh38, chr20:33,225,206, plus strand): 5'-TGTGGAGTTCTGGCTGGAGAAAGACGAGTTTGGCCGGAGGGATCTGGTGATAGGCAAATG[C>A]GATGCAGAGCCCAGCAGTGTCCATGTGGCCATCCTCACTGAGTAAGACCCCAGCTGCCCC-3'